The following is an entry in ClinVar:

ClinVar aggregate classification (germline): Uncertain significance (1 of 4 stars; one submission).

Conditions:
Inborn genetic diseases. Identifiers: MedGen C0950123, MeSH D030342.

gnomAD v4.1: 3 of 1,613,486 alleles (0.00019%); highest among the groups gnomAD compares: African/African-American, 0.0013%; no homozygotes.

Submission:

Ambry Genetics
Classification: Uncertain significance for Inborn genetic diseases. Last evaluated: 2025-04-12. Review status: criteria provided, single submitter. Criteria: Ambry Variant Classification Scheme 2023. Collection method: clinical testing. Allele origin: germline.
Comment: The p.P910S variant (also known as c.2728C>T), located in coding exon 11 of the MECOM gene, results from a C to T substitution at nucleotide position 2728. The proline at codon 910 is replaced by serine, an amino acid with similar properties. This amino acid position is conserved. In addition, this alteration is predicted to be tolerated by in silico analysis. Based on the available evidence, the clinical significance of this variant remains unclear.

NM_004991.4(MECOM):c.2728C>T (p.Pro910Ser)

Gene: MECOM (MDS1 and EVI1 complex locus; minus strand). Cytogenetic location: 3q26.2.
Variant type: single nucleotide variant.
Coding change: c.2728C>T on transcript NM_004991.4 (MANE Select); coding-DNA position 2728, C replaced by T.
Protein change: p.Pro910Ser; replaces proline 910 with serine.
Molecular consequence: missense variant.
Genome position (GRCh38, 1-based): chr3:169,102,103, G>A on the plus strand (C>T on the coding strand, the complement: MECOM is on the minus strand). VCF-style: chr3-169102103-G-A. GRCh37 (hg19) VCF-style: chr3-168819891-G-A.
Other names: c.2359C>T, p.Pro787Ser (NM_001105077.4); c.2164C>T, p.Pro722Ser (NM_001105078.4, NM_001205194.2, NM_001366469.2 and 1 more transcripts); c.2140C>T, p.Pro714Ser (NM_001163999.2, NM_001366470.2); c.2137C>T, p.Pro713Ser (NM_001164000.2, NM_001366471.2, NM_001366472.2); c.2701C>T, p.Pro901Ser (NM_001366466.2); c.2167C>T, p.Pro723Ser (NM_001366467.2, NM_001366468.2); c.1729C>T, p.Pro577Ser (NM_001366473.2); c.1165C>T, p.Pro389Ser (NM_001366474.2); short protein forms P389S, P713S, P577S, P714S, P722S, P723S, P787S, P910S.
Identifiers: ClinVar variation 4053181 (VCV004053181.1).
Genomic context (GRCh38, chr3:169,102,103, plus strand): 5'-ATTAACTGTGCAGTTACCTGCAGGTATAGCGCTCCTTTCCCTTCCGCAGAAGGTTCTCTG[G>A]CAGGGCATTGGGAGGCGCCCTGAAGTTGAACATAGAGGGCACTGACTGTAAGAGCTCACT-3'
Protein context (NP_004982.2, residues 900-920): FNFRAPPNAL[Pro910Ser]ENLLRKGKER